The following is an entry in ClinVar:

ClinVar aggregate classification (germline): Uncertain significance. Review status: criteria provided, multiple submitters, no conflicts (2 of 4 stars). 2 submissions from 2 submitters: Uncertain significance (2). Last evaluated 2025-03-23.

Conditions:
Spastic paraplegia. Identifiers: MedGen C0037772, HP:0001258.

Allele frequency attached by ClinVar (database versions not stated): ExAC 0.00001; gnomAD 0.00001; gnomAD exomes 0.00001 and 0.00002; TOPMed 0.00002.
gnomAD v4.1: 12 of 1,613,964 alleles (0.00074%); highest among the groups gnomAD compares: South Asian, 0.0011%; no homozygotes.

Submissions (2):

Labcorp Genetics (formerly Invitae), Labcorp
Classification: Uncertain significance for Spastic paraplegia. Last evaluated: 2025-03-23. Review status: criteria provided, single submitter. Criteria: Invitae Variant Classification Sherloc (09022015). Collection method: clinical testing. Allele origin: germline.
Comment: This sequence change replaces alanine, which is neutral and non-polar, with threonine, which is neutral and polar, at codon 579 of the KIF5A protein (p.Ala579Thr). This variant is present in population databases (rs760135493, gnomAD 0.003%). This missense change has been observed in individual(s) with amyotrophic lateral sclerosis (PMID: 31475037). ClinVar contains an entry for this variant (Variation ID: 500790). Invitae Evidence Modeling of protein sequence and biophysical properties (such as structural, functional, and spatial information, amino acid conservation, physicochemical variation, residue mobility, and thermodynamic stability) has been performed for this missense variant. However, the output from this modeling did not meet the statistical confidence thresholds required to predict the impact of this variant on KIF5A protein function. In summary, the available evidence is currently insufficient to determine the role of this variant in disease. Therefore, it has been classified as a Variant of Uncertain Significance.

Eurofins Ntd Llc (ga)
Classification: Uncertain significance. Last evaluated: 2017-03-09. Review status: criteria provided, single submitter. Criteria: EGL Classification Definitions 2015. Collection method: clinical testing. Allele origin: germline. Observed: 1 variant allele, 1 heterozygote.

Literature cited by the submitters: PubMed 31475037 (cited by Labcorp Genetics (formerly Invitae), Labcorp).

NM_004984.4(KIF5A):c.1735G>A (p.Ala579Thr)

Gene: KIF5A (kinesin family member 5A; plus strand). Cytogenetic location: 12q13.3.
Variant type: single nucleotide variant.
Coding change: c.1735G>A on transcript NM_004984.4 (MANE Select); coding-DNA position 1735, G replaced by A.
Protein change: p.Ala579Thr; replaces alanine 579 with threonine.
Molecular consequence: missense variant.
Genome position (GRCh38, 1-based): chr12:57,575,102, G>A. VCF-style: chr12-57575102-G-A. GRCh37 (hg19) VCF-style: chr12-57968885-G-A.
Other names: c.1468G>A, p.Ala490Thr (NM_001354705.2); short protein forms A579T, A490T.
Identifiers: ClinVar variation 500790 (VCV000500790.8), dbSNP rs760135493, ClinGen allele CA6652916.
Genomic context (GRCh38, chr12:57,575,102, plus strand): 5'-CCAGCAGCCAAGAAGCATCTCTTCCTCCTTTAATCACCTTAGCCAGTGGAGATCAGTGGG[G>A]CCATCGAGGAGGAGTTCACTGTGGCCCGACTCTACATCAGCAAAATCAAATCAGAAGTCA-3'
Protein context (NP_004975.2, residues 569-589): EIKLPVEISG[Ala579Thr]IEEEFTVARL